The following is an entry in ClinVar:

ClinVar aggregate classification (germline): Uncertain significance (1 of 4 stars; one submission).

Conditions:
Beckwith-Wiedemann syndrome (BWS). Also called: Exomphalos macroglossia gigantism syndrome; EMG SYNDROME. Identifiers: Orphanet 116, MedGen C0004903, MONDO:0007534, OMIM 130650.

Allele frequency attached by ClinVar (database versions not stated): gnomAD exomes below 0.00001.
gnomAD v4.1: 3 of 1,552,432 alleles (0.00019%); highest among the groups gnomAD compares: South Asian, 0.0012%; no homozygotes.

Submission:

Labcorp Genetics (formerly Invitae), Labcorp
Classification: Uncertain significance for Beckwith-Wiedemann syndrome. Last evaluated: 2023-09-26. Review status: criteria provided, single submitter. Criteria: Invitae Variant Classification Sherloc (09022015). Collection method: clinical testing. Allele origin: germline.
Comment: In summary, the available evidence is currently insufficient to determine the role of this variant in disease. Therefore, it has been classified as a Variant of Uncertain Significance. Advanced modeling of protein sequence and biophysical properties (such as structural, functional, and spatial information, amino acid conservation, physicochemical variation, residue mobility, and thermodynamic stability) performed at Invitae indicates that this missense variant is not expected to disrupt CDKN1C protein function. This variant has not been reported in the literature in individuals affected with CDKN1C-related conditions. The frequency data for this variant in the population databases is considered unreliable, as metrics indicate poor data quality at this position in the gnomAD database. This sequence change replaces serine, which is neutral and polar, with leucine, which is neutral and non-polar, at codon 86 of the CDKN1C protein (p.Ser86Leu).

NM_001122630.2(CDKN1C):c.224C>T (p.Ser75Leu)

Gene: CDKN1C (cyclin dependent kinase inhibitor 1C; minus strand). Cytogenetic location: 11p15.4.
Variant type: single nucleotide variant.
Coding change: c.224C>T on transcript NM_001122630.2 (MANE Select); coding-DNA position 224, C replaced by T.
Protein change: p.Ser75Leu; replaces serine 75 with leucine.
Molecular consequence: missense variant.
Genome position (GRCh38, 1-based): chr11:2,885,233, G>A on the plus strand (C>T on the coding strand, the complement: CDKN1C is on the minus strand). VCF-style: chr11-2885233-G-A. GRCh37 (hg19) VCF-style: chr11-2906463-G-A.
Other names: c.257C>T, p.Ser86Leu (NM_000076.2, NM_001362474.2); c.224C>T, p.Ser75Leu (NM_001122631.2, NM_001362475.2); short protein forms S75L, S86L.
Identifiers: ClinVar variation 2884632 (VCV002884632.3), dbSNP rs897964106, ClinGen allele CA379147197.